The following is an entry in ClinVar:

NM_005219.5(DIAPH1):c.308T>C (p.Met103Thr)

Gene: DIAPH1 (diaphanous related formin 1; minus strand). Cytogenetic location: 5q31.3.
Variant type: single nucleotide variant.
Coding change: c.308T>C on transcript NM_005219.5 (MANE Select); coding-DNA position 308, T replaced by C.
Protein change: p.Met103Thr; replaces methionine 103 with threonine.
Molecular consequence: missense variant.
Genome position (GRCh38, 1-based): chr5:141,584,218, A>G on the plus strand (T>C on the coding strand, the complement: DIAPH1 is on the minus strand). VCF-style: chr5-141584218-A-G. GRCh37 (hg19) VCF-style: chr5-140963785-A-G.
Other names: c.281T>C, p.Met94Thr (NM_001079812.3); c.308T>C, p.Met103Thr (NM_001314007.2); short protein forms M103T, M94T.
Identifiers: ClinVar variation 1491330 (VCV001491330.8), dbSNP rs2154596616, ClinGen allele CA361544198.

ClinVar aggregate classification (germline): Uncertain significance (1 of 4 stars; one submission).

Conditions:
Autosomal dominant nonsyndromic hearing loss 1. Also called: DEAFNESS, AUTOSOMAL DOMINANT 1, WITH OR WITHOUT THROMBOCYTOPENIA; KONIGSMARK SYNDROME. Identifiers: Orphanet 90635, MedGen C1852282, MONDO:0007424, OMIM 124900.
Progressive microcephaly-seizures-cortical blindness-developmental delay syndrome. Also called: Seizures, cortical blindness, and microcephaly syndrome. Identifiers: Orphanet 477814, MedGen C5567650, MONDO:0014714, OMIM 616632.

Submission:

Labcorp Genetics (formerly Invitae), Labcorp
Classification: Uncertain significance for Progressive microcephaly-seizures-cortical blindness-developmental delay syndrome; Autosomal dominant nonsyndromic hearing loss 1. Last evaluated: 2025-12-14. Review status: criteria provided, single submitter. Criteria: Invitae Variant Classification Sherloc (09022015). Collection method: clinical testing. Allele origin: germline.
Comment: This sequence change replaces methionine, which is neutral and non-polar, with threonine, which is neutral and polar, at codon 103 of the DIAPH1 protein (p.Met103Thr). This variant is not present in population databases (gnomAD no frequency). This variant has not been reported in the literature in individuals affected with DIAPH1-related conditions. ClinVar contains an entry for this variant (Variation ID: 1491330). Experimental studies and prediction algorithms are not available or were not evaluated, and the functional significance of this variant is currently unknown. In summary, the available evidence is currently insufficient to determine the role of this variant in disease. Therefore, it has been classified as a Variant of Uncertain Significance.